The following is an entry in ClinVar:

ClinVar aggregate classification (germline): Uncertain significance (1 of 4 stars; one submission).

gnomAD v4.1: 4 of 1,614,006 alleles (0.00025%); highest among the groups gnomAD compares: Admixed American, 0.0033%; no homozygotes.

Submission:

Labcorp Genetics (formerly Invitae), Labcorp
Classification: Uncertain significance. Last evaluated: 2025-02-19. Review status: criteria provided, single submitter. Criteria: Invitae Variant Classification Sherloc (09022015). Collection method: clinical testing. Allele origin: germline.
Comment: This sequence change replaces methionine, which is neutral and non-polar, with threonine, which is neutral and polar, at codon 297 of the WFS1 protein (p.Met297Thr). This variant is present in population databases (no rsID available, gnomAD 0.003%). This variant has not been reported in the literature in individuals affected with WFS1-related conditions. ClinVar contains an entry for this variant (Variation ID: 2184628). Invitae Evidence Modeling of protein sequence and biophysical properties (such as structural, functional, and spatial information, amino acid conservation, physicochemical variation, residue mobility, and thermodynamic stability) indicates that this missense variant is not expected to disrupt WFS1 protein function with a negative predictive value of 95%. In summary, the available evidence is currently insufficient to determine the role of this variant in disease. Therefore, it has been classified as a Variant of Uncertain Significance.

NM_006005.3(WFS1):c.890T>C (p.Met297Thr)

Gene: WFS1 (wolframin ER transmembrane glycoprotein; plus strand). Cytogenetic location: 4p16.1.
Variant type: single nucleotide variant.
Coding change: c.890T>C on transcript NM_006005.3 (MANE Select); coding-DNA position 890, T replaced by C.
Protein change: p.Met297Thr; replaces methionine 297 with threonine.
Molecular consequence: missense variant.
Genome position (GRCh38, 1-based): chr4:6,300,685, T>C. VCF-style: chr4-6300685-T-C. GRCh37 (hg19) VCF-style: chr4-6302412-T-C.
Other names: c.890T>C, p.Met297Thr (NM_001145853.1); short protein forms M297T.
Identifiers: ClinVar variation 2184628 (VCV002184628.4), dbSNP rs764523830, ClinGen allele CA356173823.
Genomic context (GRCh38, chr4:6,300,685, plus strand): 5'-AGCCTCGTTCCCACGTACCATCTTTCCCCCAGGTGGTCAAGTACCCCCTGCACGCCATCA[T>C]GGAGATCAAGGAGTACCTGATTGACATGGCCTCCAGGGCAGGCATGCACTGGCTGTCCAC-3'
Protein context (NP_005996.2, residues 287-307): KVVKYPLHAI[Met297Thr]EIKEYLIDMA